The following is an entry in ClinVar:

NM_001183.6(ATP6AP1):c.725G>A (p.Arg242His)

Gene: ATP6AP1 (ATPase H+ transporting accessory protein 1; plus strand). Cytogenetic location: Xq28.
Variant type: single nucleotide variant.
Coding change: c.725G>A on transcript NM_001183.6 (MANE Select); coding-DNA position 725, G replaced by A.
Protein change: p.Arg242His; replaces arginine 242 with histidine.
Molecular consequence: missense variant.
Genome position (GRCh38, 1-based): chrX:154,434,248, G>A. VCF-style: chrX-154434248-G-A. GRCh37 (hg19) VCF-style: chrX-153662594-G-A.
Other names: short protein forms R242H.
Identifiers: ClinVar variation 3067894 (VCV003067894.4), dbSNP rs1302676187, ClinGen allele CA415192884.
Genomic context (GRCh38, chrX:154,434,248, plus strand): 5'-CTGGTTGGGTGTTTCTGCAGGTGGCCCGTGATGTAGCCGTGGTGGCCGGAGGGCTAGGTC[G>A]CCAGCTGCTACAAAAACAGCCAGTATCACCTGTGATCCATCCTCCTGTGAGTTACAATGA-3'
Protein context (NP_001174.2, residues 232-252): DVAVVAGGLG[Arg242His]QLLQKQPVSP

ClinVar aggregate classification (germline): Conflicting classifications of pathogenicity. Review status: criteria provided, conflicting classifications (1 of 4 stars). 3 submissions from 3 submitters: Uncertain significance (2); Likely benign (1). Last evaluated 2024-12-23.

Conditions:
Immunodeficiency 47 (IMD47). Also called: IMMUNODEFICIENCY AND HEPATOPATHY WITH OR WITHOUT NEUROLOGIC FEATURES. Identifiers: Orphanet 692790, MedGen C4310819, MONDO:0010504, OMIM 300972.

Allele frequency attached by ClinVar (database versions not stated): gnomAD 0.00001; gnomAD exomes 0.00001; TOPMed 0.00002.
gnomAD v4.1: 17 of 1,209,751 alleles (0.0014%); highest among the groups gnomAD compares: Non-Finnish European, 0.0018%; no homozygotes.

Submissions (3):

Labcorp Genetics (formerly Invitae), Labcorp
Classification: Uncertain significance. Last evaluated: 2024-12-23. Review status: criteria provided, single submitter. Criteria: Invitae Variant Classification Sherloc (09022015). Collection method: clinical testing. Allele origin: germline.
Comment: This sequence change replaces arginine, which is basic and polar, with histidine, which is basic and polar, at codon 242 of the ATP6AP1 protein (p.Arg242His). This variant is not present in population databases (gnomAD no frequency). This variant has not been reported in the literature in individuals affected with ATP6AP1-related conditions. ClinVar contains an entry for this variant (Variation ID: 3067894). Invitae Evidence Modeling of protein sequence and biophysical properties (such as structural, functional, and spatial information, amino acid conservation, physicochemical variation, residue mobility, and thermodynamic stability) indicates that this missense variant is expected to disrupt ATP6AP1 protein function with a positive predictive value of 80%. In summary, the available evidence is currently insufficient to determine the role of this variant in disease. Therefore, it has been classified as a Variant of Uncertain Significance.

Genomic Medicine Center of Excellence, King Faisal Specialist Hospital and Research Centre
Classification: Uncertain significance for Immunodeficiency 47. Last evaluated: 2024-04-04. Review status: criteria provided, single submitter. Criteria: ACMG Guidelines, 2015. Collection method: clinical testing. Allele origin: germline.

Blueprint Genetics
Classification: Likely benign. Last evaluated: 2022-04-28. Review status: criteria provided, single submitter. Criteria: ACMG Guidelines, 2015. Collection method: clinical testing. Allele origin: germline.